The following is an entry in ClinVar:

NM_004168.4(SDHA):c.116G>A (p.Gly39Glu)

Gene: SDHA (succinate dehydrogenase complex flavoprotein subunit A; plus strand). Cytogenetic location: 5p15.33.
Variant type: single nucleotide variant.
Coding change: c.116G>A on transcript NM_004168.4 (MANE Select); coding-DNA position 116, G replaced by A.
Protein change: p.Gly39Glu; replaces glycine 39 with glutamic acid.
Molecular consequence: missense variant.
Genome position (GRCh38, 1-based): chr5:223,534, G>A. VCF-style: chr5-223534-G-A. GRCh37 (hg19) VCF-style: chr5-223649-G-A.
Other names: c.116G>A, p.Gly39Glu (NM_001294332.2, NM_001330758.2); short protein forms G39E.
Identifiers: ClinVar variation 3438692 (VCV003438692.1).
Genomic context (GRCh38, chr5:223,534, plus strand): 5'-GTCTCCAGTGGCCAACAGTGTTGCAAACAGGAACCCGAGGTTTTCACTTCACTGTTGATG[G>A]GAACAAGAGGGCATCTGCTAAAGTTTCAGATTCCGTAAGTTCATGCTTTTTGTTCCATTA-3'
Protein context (NP_004159.2, residues 29-49): GTRGFHFTVD[Gly39Glu]NKRASAKVSD

ClinVar aggregate classification (germline): Uncertain significance (1 of 4 stars; one submission).

Conditions:
Hereditary cancer-predisposing syndrome. Also called: Tumor predisposition; Neoplastic Syndromes, Hereditary; Hereditary neoplastic syndrome; Hereditary Cancer Syndrome. Identifiers: Orphanet 140162, MedGen C0027672, MeSH D009386, MONDO:0015356.

Submission:

Ambry Genetics
Classification: Uncertain significance for Hereditary cancer-predisposing syndrome. Last evaluated: 2024-08-12. Review status: criteria provided, single submitter. Criteria: Ambry Variant Classification Scheme 2023. Collection method: clinical testing. Allele origin: germline.
Comment: The p.G39E variant (also known as c.116G>A), located in coding exon 2 of the SDHA gene, results from a G to A substitution at nucleotide position 116. The glycine at codon 39 is replaced by glutamic acid, an amino acid with similar properties. This amino acid position is conserved. In addition, this alteration is predicted to be tolerated by in silico analysis. Based on the available evidence, the clinical significance of this variant remains unclear.